The following is an entry in ClinVar:

ClinVar aggregate classification (germline): Uncertain significance (1 of 4 stars; one submission).

Submission:

Ambry Genetics
Classification: Uncertain significance. Last evaluated: 2024-11-19. Review status: criteria provided, single submitter. Criteria: Ambry Variant Classification Scheme 2023. Collection method: clinical testing. Allele origin: germline.
Comment: The p.E904K variant (also known as c.2710G>A), located in coding exon 24 of the KIF1B gene, results from a G to A substitution at nucleotide position 2710. The glutamic acid at codon 904 is replaced by lysine, an amino acid with similar properties. This amino acid position is highly conserved in available vertebrate species. In addition, this alteration is predicted to be deleterious by in silico analysis. The evidence for this gene-disease relationship is limited; therefore, the clinical significance of this alteration is unclear.

NM_001365951.3(KIF1B):c.2848G>A (p.Glu950Lys)

Genes: KIF1B (kinesin family member 1B; plus strand), LOC126805614 (BRD4-independent group 4 enhancer GRCh37_chr1:10385546-10386745; plus strand). Cytogenetic location: 1p36.22.
Variant type: single nucleotide variant.
Coding change: c.2848G>A on transcript NM_001365951.3 (MANE Select); coding-DNA position 2848, G replaced by A.
Protein change: p.Glu950Lys; replaces glutamic acid 950 with lysine.
Molecular consequence: missense variant.
Genome position (GRCh38, 1-based): chr1:10,326,283, G>A. VCF-style: chr1-10326283-G-A. GRCh37 (hg19) VCF-style: chr1-10386341-G-A.
Other names: c.2848G>A, p.Glu950Lys (NM_001365952.1); c.2710G>A, p.Glu904Lys (NM_015074.3); short protein forms E950K, E904K.
Identifiers: ClinVar variation 3534042 (VCV003534042.1).